The following is an entry in ClinVar:

ClinVar aggregate classification (germline): Uncertain significance (1 of 4 stars; one submission).

Conditions:
Hereditary pancreatitis (PCTT). Also called: Hereditary chronic pancreatitis; PRSS1-Related Hereditary Pancreatitis. Identifiers: Orphanet 676, MedGen C0238339, MONDO:0008185, OMIM 167800.

gnomAD v4.1: 4 of 1,614,224 alleles (0.00025%); highest among the groups gnomAD compares: Non-Finnish European, 0.00034%; no homozygotes.

Submission:

Ambry Genetics
Classification: Uncertain significance for Hereditary pancreatitis. Last evaluated: 2026-05-17. Review status: criteria provided, single submitter. Criteria: Ambry Variant Classification Scheme 2023. Collection method: clinical testing. Allele origin: germline.
Comment: The p.E138A variant (also known as c.413A>C), located in coding exon 4 of the CPA1 gene, results from an A to C substitution at nucleotide position 413. The glutamic acid at codon 138 is replaced by alanine, an amino acid with dissimilar properties. This amino acid position is conserved. In addition, this alteration is predicted to be tolerated by in silico analysis. Based on the available evidence, the clinical significance of this variant remains unclear.

NM_001868.4(CPA1):c.413A>C (p.Glu138Ala)

Gene: CPA1 (carboxypeptidase A1; plus strand). Cytogenetic location: 7q32.2.
Variant type: single nucleotide variant.
Coding change: c.413A>C on transcript NM_001868.4 (MANE Select); coding-DNA position 413, A replaced by C.
Protein change: p.Glu138Ala; replaces glutamic acid 138 with alanine.
Molecular consequence: missense variant.
Genome position (GRCh38, 1-based): chr7:130,382,139, A>C. VCF-style: chr7-130382139-A-C. GRCh37 (hg19) VCF-style: chr7-130021980-A-C.
Other names: short protein forms E138A.
Identifiers: ClinVar variation 4869376 (VCV004869376.1).